The following is an entry in ClinVar:

NM_001292063.2(OTOG):c.5978C>T (p.Ser1993Leu)

Gene: OTOG (otogelin; plus strand). Cytogenetic location: 11p15.1.
Variant type: single nucleotide variant.
Coding change: c.5978C>T on transcript NM_001292063.2 (MANE Select); coding-DNA position 5978, C replaced by T.
Protein change: p.Ser1993Leu; replaces serine 1993 with leucine.
Molecular consequence: missense variant.
Genome position (GRCh38, 1-based): chr11:17,611,278, C>T. VCF-style: chr11-17611278-C-T. GRCh37 (hg19) VCF-style: chr11-17632825-C-T.
Other names: c.6014C>T, p.Ser2005Leu (NM_001277269.2); short protein forms S1993L, S2005L.
Identifiers: ClinVar variation 3776372 (VCV003776372.2).
Genomic context (GRCh38, chr11:17,611,278, plus strand): 5'-CGGCCCCCCAAGACAGCATGCTGGTTCTGTTGCCTCAGCTGGCTGAGGCCCATGGAACCT[C>T]GGCAGGGCCTCACCTGGCAGCAGAGCCGGTGGACGAGGCCACCACAGAACCATCTGGGCG-3'
Protein context (NP_001278992.1, residues 1983-2003): LPQLAEAHGT[Ser1993Leu]AGPHLAAEPV

ClinVar aggregate classification (germline): Uncertain significance. Review status: criteria provided, multiple submitters, no conflicts (2 of 4 stars). 2 submissions from 2 submitters: Uncertain significance (2). Last evaluated 2024-10-23.

gnomAD v4.1: 299 of 1,550,392 alleles (0.019%); highest among the groups gnomAD compares: Non-Finnish European, 0.024%; no homozygotes.

Submissions (2):

Blueprint Genetics
Classification: Uncertain significance. Last evaluated: 2024-10-23. Review status: criteria provided, single submitter. Criteria: ACMG Guidelines, 2015. Collection method: clinical testing. Allele origin: germline.

GeneDx
Classification: Uncertain significance. Last evaluated: 2024-10-03. Review status: criteria provided, single submitter. Criteria: GeneDx Variant Classification Process June 2021. Collection method: clinical testing. Allele origin: germline. Affected: yes.
Comment: In silico analysis indicates that this missense variant does not alter protein structure/function; Has not been previously published as pathogenic or benign to our knowledge